The following is an entry in ClinVar:

NM_005529.7(HSPG2):c.6819C>T (p.His2273=)

Genes: HSPG2 (heparan sulfate proteoglycan 2; minus strand), LOC126805655 (CDK7 strongly-dependent group 2 enhancer GRCh37_chr1:22178409-22179608; plus strand). Cytogenetic location: 1p36.12.
Variant type: single nucleotide variant.
Coding change: c.6819C>T on transcript NM_005529.7 (MANE Select); coding-DNA position 6819, C replaced by T.
Protein change: p.His2273=; no amino-acid change (histidine 2273 retained).
Molecular consequence: synonymous variant.
Genome position (GRCh38, 1-based): chr1:21,852,139, G>A on the plus strand (C>T on the coding strand, the complement: HSPG2 is on the minus strand). VCF-style: chr1-21852139-G-A. GRCh37 (hg19) VCF-style: chr1-22178632-G-A.
Other names: c.6822C>T, p.His2274= (NM_001291860.2).
Identifiers: ClinVar variation 586001 (VCV000586001.44), dbSNP rs151177187, ClinGen allele CA671424.

ClinVar aggregate classification (germline): Likely benign. Review status: criteria provided, multiple submitters, no conflicts (2 of 4 stars). 6 submissions from 6 submitters: Likely benign (6). Last evaluated 2026-03-03.

Conditions:
HSPG2-related disorder. Also called: HSPG2-related disorders; HSPG2-related condition.

Allele frequency attached by ClinVar (database versions not stated): TOPMed 0.00023; ESP Exome Variant Server 0.00046; 1000 Genomes Project 30x 0.00047; 1000 Genomes Project 0.00060.
gnomAD v4.1: 466 of 1,613,566 alleles (0.029%); highest among the groups gnomAD compares: Non-Finnish European, 0.033%; no homozygotes.

Submissions (6):

PreventionGenetics, part of Exact Sciences
Classification: Likely benign for HSPG2-related condition. Last evaluated: 2026-03-03. Review status: criteria provided, single submitter. Criteria: ACMG Guidelines, 2015. Collection method: clinical testing. Allele origin: germline.
Comment: This variant is classified as likely benign based on ACMG/AMP sequence variant interpretation guidelines (Richards et al. 2015 PMID: 25741868, with internal and published modifications).

Labcorp Genetics (formerly Invitae), Labcorp
Classification: Likely benign. Last evaluated: 2025-06-22. Review status: criteria provided, single submitter. Criteria: Invitae Variant Classification Sherloc (09022015). Collection method: clinical testing. Allele origin: germline.

CeGaT Center for Human Genetics Tuebingen
Classification: Likely benign. Last evaluated: 2025-06-01. Review status: criteria provided, single submitter. Criteria: CeGaT Center For Human Genetics Tuebingen Variant Classification Criteria Version 2. Collection method: clinical testing. Allele origin: germline. Affected: yes. Observed: 2 variant alleles.
Comment: HSPG2: BP4, BP7

Blueprint Genetics
Classification: Likely benign. Last evaluated: 2024-10-28. Review status: criteria provided, single submitter. Criteria: ACMG Guidelines, 2015. Collection method: clinical testing. Allele origin: germline.

ARUP Laboratories, Molecular Genetics and Genomics, ARUP Laboratories
Classification: Likely benign. Last evaluated: 2019-11-22. Review status: criteria provided, single submitter. Criteria: ARUP Molecular Germline Variant Investigation Process. Collection method: clinical testing. Allele origin: germline.

Athena Diagnostics
Classification: Likely benign. Last evaluated: 2018-02-09. Review status: criteria provided, single submitter. Criteria: Athena Diagnostics Criteria. Collection method: clinical testing. Allele origin: germline.